The following is an entry in ClinVar:

ClinVar aggregate classification (germline): Uncertain significance. Review status: criteria provided, multiple submitters, no conflicts (2 of 4 stars). 3 submissions from 3 submitters: Uncertain significance (3). Last evaluated 2025-01-07.

Conditions:
Inborn genetic diseases. Identifiers: MedGen C0950123, MeSH D030342.
Isolated cryptophthalmia. Also called: ANKYLOBLEPHARON, SIMPLE; Cryptophthalmos, unilateral or bilateral, isolated. Identifiers: Orphanet 91396, MedGen C1852453, MONDO:0007410, OMIM 123570.
Fraser syndrome 2 (FRASRS2). Identifiers: MedGen C4540036, MONDO:0054738, OMIM 617666.

Allele frequency attached by ClinVar (database versions not stated): gnomAD 0.00001; TOPMed 0.00008.
gnomAD v4.1: 6 of 1,613,976 alleles (0.00037%); highest among the groups gnomAD compares: Admixed American, 0.0067%; no homozygotes.

Submissions (3):

Labcorp Genetics (formerly Invitae), Labcorp
Classification: Uncertain significance. Last evaluated: 2025-01-07. Review status: criteria provided, single submitter. Criteria: Invitae Variant Classification Sherloc (09022015). Collection method: clinical testing. Allele origin: germline.
Comment: This sequence change replaces glycine, which is neutral and non-polar, with cysteine, which is neutral and slightly polar, at codon 1476 of the FREM2 protein (p.Gly1476Cys). This variant is present in population databases (no rsID available, gnomAD no frequency). This variant has not been reported in the literature in individuals affected with FREM2-related conditions. ClinVar contains an entry for this variant (Variation ID: 3096802). Invitae Evidence Modeling of protein sequence and biophysical properties (such as structural, functional, and spatial information, amino acid conservation, physicochemical variation, residue mobility, and thermodynamic stability) indicates that this missense variant is expected to disrupt FREM2 protein function with a positive predictive value of 80%. In summary, the available evidence is currently insufficient to determine the role of this variant in disease. Therefore, it has been classified as a Variant of Uncertain Significance.

Fulgent Genetics
Classification: Uncertain significance for Isolated cryptophthalmia; Fraser syndrome 2. Last evaluated: 2024-06-20. Review status: criteria provided, single submitter. Criteria: ACMG Guidelines, 2015. Collection method: clinical testing. Allele origin: germline.

Ambry Genetics
Classification: Uncertain significance for Inborn genetic diseases. Last evaluated: 2024-02-26. Review status: criteria provided, single submitter. Criteria: Ambry Variant Classification Scheme 2023. Collection method: clinical testing. Allele origin: germline.

NM_207361.6(FREM2):c.4426G>T (p.Gly1476Cys)

Gene: FREM2 (FRAS1 related extracellular matrix 2; plus strand). Cytogenetic location: 13q13.3.
Variant type: single nucleotide variant.
Coding change: c.4426G>T on transcript NM_207361.6 (MANE Select); coding-DNA position 4426, G replaced by T.
Protein change: p.Gly1476Cys; replaces glycine 1476 with cysteine.
Molecular consequence: missense variant.
Genome position (GRCh38, 1-based): chr13:38,691,770, G>T. VCF-style: chr13-38691770-G-T. GRCh37 (hg19) VCF-style: chr13-39265907-G-T.
Other names: short protein forms G1476C.
Identifiers: ClinVar variation 3096802 (VCV003096802.4), dbSNP rs774561102, ClinGen allele CA387893105.
Genomic context (GRCh38, chr13:38,691,770, plus strand): 5'-TTGGTTTTTACCATCACCAGGGCTCCCATGCGAGGTCACCTGGAATGCACGGATCAGCCT[G>T]GTGTGTCCATCACGTCTTTCACTCAGCTGCAACTGGCTGGAAACAAAATCTACTACATCC-3'
Protein context (NP_997244.4, residues 1466-1486): RGHLECTDQP[Gly1476Cys]VSITSFTQLQ